The following is an entry in ClinVar:

ClinVar aggregate classification (germline): Conflicting classifications of pathogenicity. Review status: criteria provided, conflicting classifications (1 of 4 stars). 2 submissions from 2 submitters: Uncertain significance (1); Likely benign (1). Last evaluated 2026-03-13.

Conditions:
NR0B2-related disorder. Also called: NR0B2-related condition.

Allele frequency attached by ClinVar (database versions not stated): gnomAD 0.00005 and 0.00007; TOPMed 0.00006; ExAC 0.00009; gnomAD exomes 0.00010; ESP Exome Variant Server 0.00015.
gnomAD v4.1: 146 of 1,614,034 alleles (0.009%); highest among the groups gnomAD compares: South Asian, 0.04%; no homozygotes.

Submissions (2):

PreventionGenetics, part of Exact Sciences
Classification: Uncertain significance for NR0B2-related condition. Last evaluated: 2026-03-13. Review status: criteria provided, single submitter. Criteria: ACMG Guidelines, 2015. Collection method: clinical testing. Allele origin: germline.
Comment: The NR0B2 c.532G>A variant is predicted to result in the amino acid substitution p.Asp178Asn. This variant has been reported in an individual with type 2 diabetes (Enya et al. 2008. PubMed ID: 18781616). In functional studies, the p.Asp178Asn substitution was reported to have no effect on protein activity (Enya et al. 2008. PubMed ID: 18781616). This variant is reported in 0.029% of alleles in individuals of South Asian descent in gnomAD. At this time, the clinical significance of this variant is uncertain due to the absence of conclusive functional and genetic evidence.

Genetic Services Laboratory, University of Chicago
Classification: Likely benign. Last evaluated: 2015-03-30. Review status: criteria provided, single submitter. Criteria: ACMG Guidelines, 2015. Collection method: clinical testing. Allele origin: germline.

NM_021969.3(NR0B2):c.532G>A (p.Asp178Asn)

Genes: NR0B2 (nuclear receptor subfamily 0 group B member 2; minus strand), NUDC (nuclear distribution C, dynein complex regulator; plus strand). Cytogenetic location: 1p36.11.
Variant type: single nucleotide variant.
Coding change: c.532G>A on transcript NM_021969.3 (MANE Select); coding-DNA position 532, G replaced by A.
Protein change: p.Asp178Asn; replaces aspartic acid 178 with asparagine.
Molecular consequence: missense variant.
Genome position (GRCh38, 1-based): chr1:26,913,409, C>T on the plus strand (G>A on the coding strand, the complement: NR0B2 is on the minus strand). VCF-style: chr1-26913409-C-T. GRCh37 (hg19) VCF-style: chr1-27239900-C-T.
Other names: short protein forms D178N.
Identifiers: ClinVar variation 211685 (VCV000211685.9), dbSNP rs201991593, ClinGen allele CA205875.